The following is an entry in ClinVar:

NM_005995.5(TBX10):c.8-10C>T

Gene: TBX10 (T-box transcription factor 10; minus strand). Cytogenetic location: 11q13.2.
Variant type: single nucleotide variant.
Coding change: c.8-10C>T on transcript NM_005995.5 (MANE Select); 10 bases into the intron before coding-DNA position 8, C replaced by T.
Molecular consequence: intron variant.
Genome position (GRCh38, 1-based): chr11:67,635,273, G>A on the plus strand (C>T on the coding strand, the complement: TBX10 is on the minus strand). VCF-style: chr11-67635273-G-A. GRCh37 (hg19) VCF-style: chr11-67402744-G-A.
Identifiers: ClinVar variation 3059412 (VCV003059412.2), dbSNP rs59223436, ClinGen allele CA6144142.

ClinVar aggregate classification (germline): Benign (0 of 4 stars; one submission).

Conditions:
TBX10-related disorder. Also called: TBX10-related condition.

Allele frequency attached by ClinVar (database versions not stated): TOPMed 0.09871; 1000 Genomes Project 0.09904; gnomAD 0.09908; 1000 Genomes Project 30x 0.09916; gnomAD exomes 0.10412; ExAC 0.10506; ESP Exome Variant Server 0.10533.

Submission:

PreventionGenetics, part of Exact Sciences
Classification: Benign for TBX10-related condition. Last evaluated: 2019-08-08. Review status: no assertion criteria provided. Collection method: clinical testing. Allele origin: germline.
Comment: This variant is classified as benign based on ACMG/AMP sequence variant interpretation guidelines (Richards et al. 2015 PMID: 25741868, with internal and published modifications).